The following is an entry in ClinVar:

NM_018319.4(TDP1):c.341_342del (p.Lys114fs)

Genes: TDP1 (tyrosyl-DNA phosphodiesterase 1; plus strand), LOC126862019 (CDK7 strongly-dependent group 2 enhancer GRCh37_chr14:90429220-90430419; plus strand). Cytogenetic location: 14q32.11.
Variant type: Deletion.
Coding change: c.341_342del on transcript NM_018319.4 (MANE Select); coding-DNA positions 341 to 342, 2 bases deleted (AA; older notation c.341_342delAA).
Protein change: p.Lys114fs; shifts the reading frame from lysine 114.
Molecular consequence: frameshift variant.
Genome position (GRCh38, 1-based): chr14:89,963,455-89,963,456, AA deleted; deleting any 2 consecutive bases within chr14:89,963,454-89,963,456 gives the same sequence; the c. name uses the placement nearest the transcript's 3' end. VCF-style (leftmost placement, unchanged base first): chr14-89963453-GAA-G. GRCh37 (hg19) VCF-style: chr14-90429797-GAA-G.
Other names: c.341_342del, p.Lys114fs (NM_001008744.2, NM_001330205.2); short protein forms K114fs.
Identifiers: ClinVar variation 807159 (VCV000807159.46), dbSNP rs769278668, ClinGen allele CA7303562.
Genomic context (GRCh38, chr14:89,963,453, plus strand): 5'-TGATGAGCTGCAACCAGAAATGCCGCAGAAGCAGGCTGAGAAAGTGGTGATCAAAAAGGA[GAA>G]AGACATCTCTGCTCCCAATGACGGCACTGCCCAAAGAACTGAAAATCATGGCGCTCCCGC-3'

ClinVar aggregate classification (germline): Conflicting classifications of pathogenicity. Review status: criteria provided, conflicting classifications (1 of 4 stars). 3 submissions from 3 submitters: Likely pathogenic (1); Uncertain significance (2). Last evaluated 2026-02-09.

Submissions (3):

Dasa
Classification: Uncertain significance. Last evaluated: 2026-02-09. Review status: criteria provided, single submitter. Criteria: DASA Assertion Criteria. Collection method: clinical testing. Allele origin: germline.
Comment: NM_018319.4(TDP1):c.341_342del (p.Lys114Argfs*7) is a frameshift variant in TDP1 predicted to alter the reading frame and introduce a premature termination codon and is predicted to result in an absent or altered protein product. This variant is rare in population databases. The currently available literature and clinical evidence are not sufficient to establish a definitive association between this variant and the reported condition. Therefore, this variant is classified as a variant of uncertain significance.

Athena Diagnostics
Classification: Uncertain significance. Last evaluated: 2020-01-16. Review status: criteria provided, single submitter. Criteria: Athena Diagnostics Criteria. Collection method: clinical testing. Allele origin: unknown.

CeGaT Center for Human Genetics Tuebingen
Classification: Likely pathogenic. Last evaluated: 2018-04-01. Review status: criteria provided, single submitter. Criteria: CeGaT Center For Human Genetics Tuebingen Variant Classification Criteria Version 2. Collection method: clinical testing. Allele origin: germline. Affected: yes. Observed: 1 variant allele.